The following is an entry in ClinVar:

ClinVar aggregate classification (germline): Pathogenic. Review status: reviewed by expert panel (3 of 4 stars). 5 submissions from 5 submitters: Pathogenic (1). 4 of the submissions do not count toward it. Last evaluated 2023-08-04.

Conditions:
Hereditary cancer-predisposing syndrome. Also called: Hereditary Cancer Syndrome; Hereditary neoplastic syndrome; Neoplastic Syndromes, Hereditary; Tumor predisposition. Identifiers: Orphanet 140162, MedGen C0027672, MeSH D009386, MONDO:0015356.
CDH1-related diffuse gastric and lobular breast cancer syndrome. Also called: CDH1-related diffuse gastric and lobular breast cancer. Identifiers: MedGen CN311521, MONDO:0100488.
Hereditary diffuse gastric adenocarcinoma (HDGC). Also called: DIFFUSE GASTRIC AND LOBULAR BREAST CANCER SYNDROME. Identifiers: Orphanet 26106, MedGen C1708349, MONDO:0007648, OMIM 137215.

Submissions (5):

Clingen Gastric Cancer Variant Curation Expert Panel
Classification: Pathogenic for CDH1-related diffuse gastric and lobular breast cancer syndrome. Last evaluated: 2023-08-04. Review status: reviewed by expert panel. Criteria: ClinGen CDH1 ACMG Specifications V3.1. Collection method: curation. Allele origin: germline. Inheritance: Autosomal dominant inheritance.
Comment: The c.11G>A (p.Trp4Ter) variant is predicted to result in a premature stop codon that leads to nonsense mediate decay (PVS1 and PM5_supporting). The variant is absent in the gnomAD cohort (PM2_supporting). Therefore, this variant meets criteria to be classified as pathogenic based on the ACMG/AMP criteria applied as specified by the CDH1 Variant Curation Expert Panel (CDH1 VCEP specifications version 3.1): PVS1, PM2_supporting, PM5_supporting.

Labcorp Genetics (formerly Invitae), Labcorp
Classification: Pathogenic for Hereditary diffuse gastric adenocarcinoma. Last evaluated: 2024-08-13. Review status: criteria provided, single submitter. Criteria: Invitae Variant Classification Sherloc (09022015). Collection method: clinical testing. Allele origin: germline. Not counted in ClinVar's aggregate classification.
Comment: This sequence change creates a premature translational stop signal (p.Trp4*) in the CDH1 gene. It is expected to result in an absent or disrupted protein product. Loss-of-function variants in CDH1 are known to be pathogenic (PMID: 15235021, 20373070). This variant is not present in population databases (gnomAD no frequency). This variant has not been reported in the literature in individuals affected with CDH1-related conditions. ClinVar contains an entry for this variant (Variation ID: 918853). For these reasons, this variant has been classified as Pathogenic.

Myriad Genetics, Inc.
Classification: Pathogenic for Hereditary diffuse gastric adenocarcinoma. Last evaluated: 2023-06-08. Review status: criteria provided, single submitter. Criteria: Myriad Autosomal Dominant, Autosomal Recessive and X-Linked Classification Criteria (2023). Collection method: clinical testing. Allele origin: unknown. Not counted in ClinVar's aggregate classification.
Comment: This variant is considered pathogenic. This variant creates a termination codon and is predicted to result in premature protein truncation.

Color Diagnostics, LLC DBA Color Health
Classification: Pathogenic for Hereditary cancer-predisposing syndrome. Last evaluated: 2020-01-15. Review status: criteria provided, single submitter. Criteria: ACMG Guidelines, 2015. Collection method: clinical testing. Allele origin: germline. Not counted in ClinVar's aggregate classification.
Comment: This variant changes 1 nucleotide in exon 1 of the CDH1 gene, creating a premature translation stop signal. This variant is expected to result in an absent or non-functional protein product. This variant has not been identified in the general population by the Genome Aggregation Database (gnomAD). Loss of CDH1 function is a known mechanism of disease. Based on the available evidence, this variant is classified as Pathogenic.

Ambry Genetics
Classification: Pathogenic for Hereditary cancer-predisposing syndrome. Last evaluated: 2017-04-20. Review status: criteria provided, single submitter. Criteria: Ambry Variant Classification Scheme 2023. Collection method: clinical testing. Allele origin: germline. Not counted in ClinVar's aggregate classification.
Comment: The p.W4* pathogenic mutation (also known as c.11G>A), located in coding exon 1 of the CDH1 gene, results from a G to A substitution at nucleotide position 11. This changes the amino acid from a tryptophan to a stop codon within coding exon 1. This alteration is expected to result in loss of function by premature protein truncation or nonsense-mediated mRNA decay. As such, this alteration is interpreted as a disease-causing mutation.

Literature cited by the submitters: PubMed 15235021 (cited by Labcorp Genetics (formerly Invitae), Labcorp); PubMed 20373070 (cited by Labcorp Genetics (formerly Invitae), Labcorp).

NM_004360.5(CDH1):c.11G>A (p.Trp4Ter)

Gene: CDH1 (cadherin 1; plus strand). Cytogenetic location: 16q22.1.
Variant type: single nucleotide variant.
Coding change: c.11G>A on transcript NM_004360.5 (MANE Select); coding-DNA position 11, G replaced by A.
Protein change: p.Trp4Ter; replaces tryptophan 4 with a stop codon.
Molecular consequence: nonsense. On other transcripts: 5 prime UTR variant (2).
Genome position (GRCh38, 1-based): chr16:68,737,426, G>A. VCF-style: chr16-68737426-G-A. GRCh37 (hg19) VCF-style: chr16-68771329-G-A.
Other names: NM_004360.5(CDH1):c.11G>A; p.Trp4Ter; c.11G>A, p.Trp4Ter (NM_001317184.2); c.-1605G>A (NM_001317185.2); c.-1809G>A (NM_001317186.2); short protein forms W4*.
Identifiers: ClinVar variation 918853 (VCV000918853.15), dbSNP rs1962423346, ClinGen allele CA396451240.
Genomic context (GRCh38, chr16:68,737,426, plus strand): 5'-CGACCCGACCGCACCCGGCGCCTGCCCTCGCTCGGCGTCCCCGGCCAGCCATGGGCCCTT[G>A]GAGCCGCAGCCTCTCGGCGCTGCTGCTGCTGCTGCAGGTACCCCGGATCCCCTGACTTGC-3'